The following is an entry in ClinVar:

ClinVar aggregate classification (germline): Uncertain significance (1 of 4 stars; one submission).

Conditions:
Hereditary spastic paraplegia 49 (HSAN9). Also called: Spastic paraplegia 49, autosomal recessive; TECPR2-Related Hereditary Sensory and Autonomic Neuropathy with Intellectual Disability; NEUROPATHY, HEREDITARY SENSORY AND AUTONOMIC, TYPE IX, WITH DEVELOPMENTAL DELAY. Identifiers: Orphanet 320385, MedGen C5190860, MONDO:0014016, OMIM 615031.

Submission:

Labcorp Genetics (formerly Invitae), Labcorp
Classification: Uncertain significance for Hereditary spastic paraplegia 49. Last evaluated: 2021-09-01. Review status: criteria provided, single submitter. Criteria: Invitae Variant Classification Sherloc (09022015). Collection method: clinical testing. Allele origin: germline.
Comment: This sequence change replaces valine with methionine at codon 895 of the TECPR2 protein (p.Val895Met). The valine residue is moderately conserved and there is a small physicochemical difference between valine and methionine. This variant is not present in population databases (ExAC no frequency). This variant has not been reported in the literature in individuals affected with TECPR2-related conditions. Algorithms developed to predict the effect of missense changes on protein structure and function are either unavailable or do not agree on the potential impact of this missense change (SIFT: "Tolerated"; PolyPhen-2: "Possibly Damaging"; Align-GVGD: "Class C0"). In summary, the available evidence is currently insufficient to determine the role of this variant in disease. Therefore, it has been classified as a Variant of Uncertain Significance.

NM_014844.5(TECPR2):c.2683G>A (p.Val895Met)

Gene: TECPR2 (tectonin beta-propeller repeat containing 2; plus strand). Cytogenetic location: 14q32.31.
Variant type: single nucleotide variant.
Coding change: c.2683G>A on transcript NM_014844.5 (MANE Select); coding-DNA position 2683, G replaced by A.
Protein change: p.Val895Met; replaces valine 895 with methionine.
Molecular consequence: missense variant.
Genome position (GRCh38, 1-based): chr14:102,440,540, G>A. VCF-style: chr14-102440540-G-A. GRCh37 (hg19) VCF-style: chr14-102906877-G-A.
Other names: c.2683G>A, p.Val895Met (NM_001172631.3); short protein forms V895M.
Identifiers: ClinVar variation 1522468 (VCV001522468.5), dbSNP rs764000123, ClinGen allele CA391066872.